The following is an entry in ClinVar:

NM_153240.5(NPHP3):c.2978G>A (p.Ser993Asn)

Genes: NPHP3 (nephrocystin 3; minus strand), NPHP3-ACAD11 (NPHP3-ACAD11 readthrough (NMD candidate); minus strand). Cytogenetic location: 3q22.1.
Variant type: single nucleotide variant.
Coding change: c.2978G>A on transcript NM_153240.5 (MANE Select); coding-DNA position 2978, G replaced by A.
Protein change: p.Ser993Asn; replaces serine 993 with asparagine.
Molecular consequence: missense variant. On other transcripts: non-coding transcript variant (1).
Genome position (GRCh38, 1-based): chr3:132,688,797, C>T on the plus strand (G>A on the coding strand, the complement: NPHP3 is on the minus strand). VCF-style: chr3-132688797-C-T. GRCh37 (hg19) VCF-style: chr3-132407641-C-T.
Other names: short protein forms S993N.
Identifiers: ClinVar variation 411103 (VCV000411103.8), dbSNP rs1060503156, ClinGen allele CA16611367.

ClinVar aggregate classification (germline): Uncertain significance. Review status: criteria provided, multiple submitters, no conflicts (2 of 4 stars). 2 submissions from 2 submitters: Uncertain significance (2). Last evaluated 2021-07-27.

Conditions:
Nephronophthisis. Also called: Juvenile Nephronophthisis. Identifiers: Orphanet 655, MedGen C0687120, MONDO:0019005, HP:0000090.

Allele frequency attached by ClinVar (database versions not stated): gnomAD exomes 0.00002 and 0.00001; gnomAD 0.00003; TOPMed 0.00001.
gnomAD v4.1: 30 of 1,613,980 alleles (0.0019%); highest among the groups gnomAD compares: Non-Finnish European, 0.0024%; no homozygotes.

Submissions (2):

Labcorp Genetics (formerly Invitae), Labcorp
Classification: Uncertain significance for Nephronophthisis. Last evaluated: 2021-07-27. Review status: criteria provided, single submitter. Criteria: Invitae Variant Classification Sherloc (09022015). Collection method: clinical testing. Allele origin: germline.
Comment: In summary, this variant is a novel missense change that is not predicted to affect protein function. There is no indication that it causes disease, but the available evidence is currently insufficient to prove that conclusively. Therefore, it has been classified as a Variant of Uncertain Significance. Algorithms developed to predict the effect of missense changes on protein structure and function (SIFT, PolyPhen-2, Align-GVGD) all suggest that this variant is likely to be tolerated, but these predictions have not been confirmed by published functional studies. This variant is not present in population databases (ExAC no frequency) and has not been reported in the literature in individuals with a NPHP3-related disease. This sequence change replaces serine with asparagine at codon 993 of the NPHP3 protein (p.Ser993Asn). The serine residue is weakly conserved and there is a small physicochemical difference between serine and asparagine.

Blueprint Genetics
Classification: Uncertain significance. Last evaluated: 2019-05-17. Review status: criteria provided, single submitter. Criteria: ACMG Guidelines, 2015. Collection method: clinical testing. Allele origin: germline.